The following is an entry in ClinVar:

ClinVar aggregate classification (germline): Uncertain significance (1 of 4 stars; one submission).

Allele frequency attached by ClinVar (database versions not stated): TOPMed below 0.00001.

Submission:

Labcorp Genetics (formerly Invitae), Labcorp
Classification: Uncertain significance. Last evaluated: 2023-04-18. Review status: criteria provided, single submitter. Criteria: Invitae Variant Classification Sherloc (09022015). Collection method: clinical testing. Allele origin: germline.
Comment: In summary, the available evidence is currently insufficient to determine the role of this variant in disease. Therefore, it has been classified as a Variant of Uncertain Significance. Advanced modeling of protein sequence and biophysical properties (such as structural, functional, and spatial information, amino acid conservation, physicochemical variation, residue mobility, and thermodynamic stability) performed at Invitae indicates that this missense variant is not expected to disrupt DVL3 protein function. This variant has not been reported in the literature in individuals affected with DVL3-related conditions. This variant is not present in population databases (gnomAD no frequency). This sequence change replaces histidine, which is basic and polar, with glutamine, which is neutral and polar, at codon 638 of the DVL3 protein (p.His638Gln).

NM_004423.4(DVL3):c.1914T>G (p.His638Gln)

Gene: DVL3 (dishevelled segment polarity protein 3; plus strand). Cytogenetic location: 3q27.1.
Variant type: single nucleotide variant.
Coding change: c.1914T>G on transcript NM_004423.4 (MANE Select); coding-DNA position 1914, T replaced by G.
Protein change: p.His638Gln; replaces histidine 638 with glutamine.
Molecular consequence: missense variant.
Genome position (GRCh38, 1-based): chr3:184,170,518, T>G. VCF-style: chr3-184170518-T-G. GRCh37 (hg19) VCF-style: chr3-183888306-T-G.
Other names: short protein forms H638Q.
Identifiers: ClinVar variation 2857445 (VCV002857445.3), dbSNP rs1714787036, ClinGen allele CA355416248.